The following is an entry in ClinVar:

NM_001042492.3(NF1):c.288+1139T>A

Gene: NF1 (neurofibromin 1; plus strand). Cytogenetic location: 17q11.2.
Variant type: single nucleotide variant.
Coding change: c.288+1139T>A on transcript NM_001042492.3 (MANE Select); 1139 bases into the intron after coding-DNA position 288, T replaced by A.
Molecular consequence: intron variant.
Genome position (GRCh38, 1-based): chr17:31,160,232, T>A. VCF-style: chr17-31160232-T-A. GRCh37 (hg19) VCF-style: chr17-29487250-T-A.
Other names: c.288+1139T>A (NM_000267.4, NM_001128147.3).
Identifiers: ClinVar variation 4615748 (VCV004615748.1).

ClinVar aggregate classification (germline): Likely pathogenic (1 of 4 stars; one submission).

Conditions:
Cardiovascular phenotype. Identifiers: MedGen CN230736.
Hereditary cancer-predisposing syndrome. Also called: Neoplastic Syndromes, Hereditary; Tumor predisposition; Hereditary Cancer Syndrome; Hereditary neoplastic syndrome. Identifiers: Orphanet 140162, MedGen C0027672, MeSH D009386, MONDO:0015356.

Submission:

Ambry Genetics
Classification: Likely pathogenic for Cardiovascular phenotype; Hereditary cancer-predisposing syndrome. Last evaluated: 2025-10-07. Review status: criteria provided, single submitter. Criteria: Ambry Variant Classification Scheme 2023. Collection method: clinical testing. Allele origin: germline.
Comment: The c.288+1139T>A intronic variant results from a T to A substitution 1139 nucleotides after coding exon 3 in the NF1 gene. This variant was reported in individual(s) with features consistent with Neurofibromatosis type 1 (Koczkowska M et al. Hum Genet, 2023 Jul;142:849-861). This nucleotide position is highly conserved in available vertebrate species. In silico splice site analysis predicts that this alteration may result in the creation or strengthening of a novel splice donor site. RNA studies have demonstrated that this alteration results in inclusion of cryptic exons (Koczkowska M et al. Hum Genet, 2023 Jul;142:849-861; Ambry internal data). This variant is considered to be rare based on population cohorts in the Genome Aggregation Database (gnomAD). Based on the majority of available evidence to date, this variant is likely to be pathogenic.

Literature cited by the submitters: PubMed 37186028.